The following is an entry in ClinVar:

ClinVar aggregate classification (germline): Conflicting classifications of pathogenicity. Review status: criteria provided, conflicting classifications (1 of 4 stars). 2 submissions from 2 submitters: Uncertain significance (1); Likely benign (1). Last evaluated 2024-11-05.

Conditions:
Cardiovascular phenotype. Identifiers: MedGen CN230736.
Congenital primary aphakia. Also called: ANTERIOR SEGMENT DYSGENESIS 2; Anterior segment dysgenesis 2, multiple subtypes. Identifiers: Orphanet 83461, MedGen C1853230, MONDO:0012456, OMIM 610256.
Anterior segment dysgenesis. Also called: Ocular anterior segment dysgenesis. Identifiers: Orphanet 88632, MedGen C1862839, MONDO:0019503, HP:0007700.

Allele frequency attached by ClinVar (database versions not stated): TOPMed below 0.00001; ExAC 0.00001; gnomAD 0.00001; gnomAD exomes 0.00001.

Submissions (2):

Labcorp Genetics (formerly Invitae), Labcorp
Classification: Uncertain significance for Anterior segment dysgenesis; Congenital primary aphakia. Last evaluated: 2024-11-05. Review status: criteria provided, single submitter. Criteria: Invitae Variant Classification Sherloc (09022015). Collection method: clinical testing. Allele origin: germline.
Comment: This sequence change affects codon 168 of the FOXE3 mRNA. It is a 'silent' change, meaning that it does not change the encoded amino acid sequence of the FOXE3 protein. This variant is present in population databases (rs771078208, gnomAD 0.008%). This variant has not been reported in the literature in individuals affected with FOXE3-related conditions. ClinVar contains an entry for this variant (Variation ID: 2496958). In summary, the available evidence is currently insufficient to determine the role of this variant in disease. Therefore, it has been classified as a Variant of Uncertain Significance.

Ambry Genetics
Classification: Likely benign for Cardiovascular phenotype. Last evaluated: 2023-02-16. Review status: criteria provided, single submitter. Criteria: Ambry Variant Classification Scheme 2023. Collection method: clinical testing. Allele origin: germline.

NM_012186.3(FOXE3):c.504G>A (p.Lys168=)

Genes: FOXE3 (forkhead box E3; plus strand), LINC01389 (long independently transcribed non-coding RNA 1389; minus strand). Cytogenetic location: 1p33.
Variant type: single nucleotide variant.
Coding change: c.504G>A on transcript NM_012186.3 (MANE Select); coding-DNA position 504, G replaced by A.
Protein change: p.Lys168=; no amino-acid change (lysine 168 retained).
Molecular consequence: synonymous variant.
Genome position (GRCh38, 1-based): chr1:47,416,819, G>A. VCF-style: chr1-47416819-G-A. GRCh37 (hg19) VCF-style: chr1-47882491-G-A.
Identifiers: ClinVar variation 2496958 (VCV002496958.4), dbSNP rs771078208, ClinGen allele CA842985.